The following is an entry in ClinVar:

NM_001298.3(CNGA3):c.633T>C (p.Asp211=)

Gene: CNGA3 (cyclic nucleotide gated channel subunit alpha 3; plus strand). Cytogenetic location: 2q11.2.
Variant type: single nucleotide variant.
Coding change: c.633T>C on transcript NM_001298.3 (MANE Select); coding-DNA position 633, T replaced by C.
Protein change: p.Asp211=; no amino-acid change (aspartic acid 211 retained).
Molecular consequence: synonymous variant.
Genome position (GRCh38, 1-based): chr2:98,391,930, T>C. VCF-style: chr2-98391930-T-C. GRCh37 (hg19) VCF-style: chr2-99008393-T-C.
Other names: c.579T>C, p.Asp193= (NM_001079878.2).
Identifiers: ClinVar variation 740043 (VCV000740043.13), dbSNP rs553995770, ClinGen allele CA1793830.

ClinVar aggregate classification (germline): Likely benign. Review status: criteria provided, multiple submitters, no conflicts (2 of 4 stars). 3 submissions from 3 submitters: Likely benign (3). Last evaluated 2026-08-05.

Conditions:
CNGA3-related disorder. Also called: CNGA3-related condition.

Allele frequency attached by ClinVar (database versions not stated): gnomAD exomes 0.00001; gnomAD 0.00009 and 0.00011; TOPMed 0.00011; 1000 Genomes Project 30x 0.00016; 1000 Genomes Project 0.00020.
gnomAD v4.1: 25 of 1,614,170 alleles (0.0015%); highest among the groups gnomAD compares: African/African-American, 0.033%; no homozygotes.

Submissions (3):

PreventionGenetics, part of Exact Sciences
Classification: Likely benign for CNGA3-related condition. Last evaluated: 2026-08-05. Review status: criteria provided, single submitter. Criteria: ACMG Guidelines, 2015. Collection method: clinical testing. Allele origin: germline.
Comment: This variant is classified as likely benign based on ACMG/AMP sequence variant interpretation guidelines (Richards et al. 2015 PMID: 25741868, with internal and published modifications).

Labcorp Genetics (formerly Invitae), Labcorp
Classification: Likely benign. Last evaluated: 2025-11-15. Review status: criteria provided, single submitter. Criteria: Invitae Variant Classification Sherloc (09022015). Collection method: clinical testing. Allele origin: germline.

Blueprint Genetics
Classification: Likely benign. Last evaluated: 2022-07-29. Review status: criteria provided, single submitter. Criteria: ACMG Guidelines, 2015. Collection method: clinical testing. Allele origin: germline.